The following is an entry in ClinVar:

NM_022725.4(FANCF):c.544G>A (p.Ala182Thr)

Gene: FANCF (FA complementation group F; minus strand). Cytogenetic location: 11p14.3.
Variant type: single nucleotide variant.
Coding change: c.544G>A on transcript NM_022725.4 (MANE Select); coding-DNA position 544, G replaced by A.
Protein change: p.Ala182Thr; replaces alanine 182 with threonine.
Molecular consequence: missense variant.
Genome position (GRCh38, 1-based): chr11:22,625,267, C>T on the plus strand (G>A on the coding strand, the complement: FANCF is on the minus strand). VCF-style: chr11-22625267-C-T. GRCh37 (hg19) VCF-style: chr11-22646813-C-T.
Other names: short protein forms A182T.
Identifiers: ClinVar variation 960764 (VCV000960764.9), dbSNP rs1858626528, ClinGen allele CA380058827.
Genomic context (GRCh38, chr11:22,625,267, plus strand): 5'-GGAAGTTGTTCTGAGGCAAGCGCTCCCACAGGCTGCTGAGAAACCTGGCGGGACGCTCCG[C>T]TTCGGCCTTCCCCACCTCCTGCAGACGCTCCAGCAGCAGCTCCGCCTGGGTCTTCATCAG-3'
Protein context (NP_073562.1, residues 172-192): ERLQEVGKAE[Ala182Thr]ERPARFLSSL

ClinVar aggregate classification (germline): Uncertain significance (1 of 4 stars; one submission).

Conditions:
Fanconi anemia (FA). Also called: Fanconi's anemia. Identifiers: Orphanet 84, MedGen C0015625, MeSH D005199, MONDO:0019391.

Allele frequency attached by ClinVar (database versions not stated): gnomAD exomes below 0.00001.

Submission:

Labcorp Genetics (formerly Invitae), Labcorp
Classification: Uncertain significance for Fanconi anemia. Last evaluated: 2019-09-10. Review status: criteria provided, single submitter. Criteria: Invitae Variant Classification Sherloc (09022015). Collection method: clinical testing. Allele origin: germline.
Comment: In summary, the available evidence is currently insufficient to determine the role of this variant in disease. Therefore, it has been classified as a Variant of Uncertain Significance. Algorithms developed to predict the effect of missense changes on protein structure and function are either unavailable or do not agree on the potential impact of this missense change (SIFT: "Tolerated"; PolyPhen-2: "Possibly Damaging"; Align-GVGD: "Class C0"). This variant has not been reported in the literature in individuals with FANCF-related conditions. This variant is not present in population databases (ExAC no frequency). This sequence change replaces alanine with threonine at codon 182 of the FANCF protein (p.Ala182Thr). The alanine residue is moderately conserved and there is a small physicochemical difference between alanine and threonine.